The following is an entry in ClinVar:

ClinVar aggregate classification (germline): Uncertain significance (1 of 4 stars; one submission).

Conditions:
Cardiovascular phenotype. Identifiers: MedGen CN230736.

gnomAD v4.1: 3 of 1,605,708 alleles (0.00019%); highest among the groups gnomAD compares: Non-Finnish European, 0.00026%; no homozygotes.

Submission:

Ambry Genetics
Classification: Uncertain significance for Cardiovascular phenotype. Last evaluated: 2026-05-03. Review status: criteria provided, single submitter. Criteria: Ambry Variant Classification Scheme 2023. Collection method: clinical testing. Allele origin: germline.
Comment: The p.D1289E variant (also known as c.3867C>G), located in coding exon 9 of the TNXB gene, results from a C to G substitution at nucleotide position 3867. The aspartic acid at codon 1289 is replaced by glutamic acid, an amino acid with highly similar properties. This amino acid position is conserved. In addition, this alteration is predicted to be tolerated by in silico analysis. Based on the available evidence, the clinical significance of this variant remains unclear.

NM_001365276.2(TNXB):c.3867C>G (p.Asp1289Glu)

Gene: TNXB (tenascin XB; minus strand). Cytogenetic location: 6p21.33.
Variant type: single nucleotide variant.
Coding change: c.3867C>G on transcript NM_001365276.2 (MANE Select); coding-DNA position 3867, C replaced by G.
Protein change: p.Asp1289Glu; replaces aspartic acid 1289 with glutamic acid.
Molecular consequence: missense variant.
Genome position (GRCh38, 1-based): chr6:32,081,543, G>C on the plus strand (C>G on the coding strand, the complement: TNXB is on the minus strand). VCF-style: chr6-32081543-G-C. GRCh37 (hg19) VCF-style: chr6-32049320-G-C.
Other names: c.4608C>G, p.Asp1536Glu (NM_001428335.1); c.3867C>G, p.Asp1289Glu (NM_019105.8); short protein forms D1289E, D1536E.
Identifiers: ClinVar variation 4865825 (VCV004865825.1).